The following is an entry in ClinVar:

NM_001042492.3(NF1):c.4489_4493del (p.Ser1497fs)

Gene: NF1 (neurofibromin 1; plus strand). Cytogenetic location: 17q11.2.
Variant type: Deletion.
Coding change: c.4489_4493del on transcript NM_001042492.3 (MANE Select); coding-DNA positions 4489 to 4493, 5 bases deleted (TCCTT; older notation c.4489_4493delTCCTT).
Protein change: p.Ser1497fs; shifts the reading frame from serine 1497.
Molecular consequence: frameshift variant.
Genome position (GRCh38, 1-based): chr17:31,260,427-31,260,431, TCCTT deleted; deleting any 5 consecutive bases within chr17:31,260,424-31,260,431 gives the same sequence; the c. name uses the placement nearest the transcript's 3' end. VCF-style (leftmost placement, unchanged base first): chr17-31260423-TCTTTC-T. GRCh37 (hg19) VCF-style: chr17-29587441-TCTTTC-T.
Other names: c.4426_4430delTCCTT, p.Ser1476Hisfs (NM_000267.4); short protein forms S1497fs, S1476fs.
Identifiers: ClinVar variation 2828847 (VCV002828847.3), dbSNP rs2508421152, ClinGen allele CA645582460.

ClinVar aggregate classification (germline): Pathogenic (1 of 4 stars; one submission).

Conditions:
Neurofibromatosis, type 1 (NF1). Also called: VON RECKLINGHAUSEN DISEASE; NEUROFIBROMATOSIS, TYPE I, SOMATIC; Neurofibromatosis, type I; Peripheral type neurofibromatosis. Identifiers: Orphanet 636, MedGen C0027831, MONDO:0018975, OMIM 162200. Disease mechanism: loss of function.

Submission:

Labcorp Genetics (formerly Invitae), Labcorp
Classification: Pathogenic for Neurofibromatosis, type 1. Last evaluated: 2024-04-16. Review status: criteria provided, single submitter. Criteria: Invitae Variant Classification Sherloc (09022015). Collection method: clinical testing. Allele origin: germline.
Comment: This sequence change creates a premature translational stop signal (p.Ser1476Hisfs*3) in the NF1 gene. It is expected to result in an absent or disrupted protein product. Loss-of-function variants in NF1 are known to be pathogenic (PMID: 10712197, 23913538). This variant is not present in population databases (gnomAD no frequency). This variant has not been reported in the literature in individuals affected with NF1-related conditions. For these reasons, this variant has been classified as Pathogenic.

Literature cited by the submitters: PubMed 10712197; PubMed 23913538.